The following is an entry in ClinVar:

NM_001458.5(FLNC):c.7226G>A (p.Arg2409His)

Genes: FLNC (filamin C; plus strand), FLNC-AS1 (FLNC antisense RNA 1; minus strand). Cytogenetic location: 7q32.1.
Variant type: single nucleotide variant.
Coding change: c.7226G>A on transcript NM_001458.5 (MANE Select); coding-DNA position 7226, G replaced by A.
Protein change: p.Arg2409His; replaces arginine 2409 with histidine.
Molecular consequence: missense variant.
Genome position (GRCh38, 1-based): chr7:128,855,289, G>A. VCF-style: chr7-128855289-G-A. GRCh37 (hg19) VCF-style: chr7-128495343-G-A.
Other names: c.7127G>A, p.Arg2376His (NM_001127487.2); short protein forms R2409H, R2376H.
Identifiers: ClinVar variation 539333 (VCV000539333.18), dbSNP rs767279710, ClinGen allele CA4476191.

ClinVar aggregate classification (germline): Conflicting classifications of pathogenicity. Review status: criteria provided, conflicting classifications (1 of 4 stars). 7 submissions from 7 submitters: Uncertain significance (4); Likely benign (2). 1 of the submissions does not count toward it. Last evaluated 2026-01-07.

Conditions:
Hypertrophic cardiomyopathy 26. Also called: Cardiomyopathy, familial hypertrophic, 26. Identifiers: Orphanet 75249, MedGen C4310749, MONDO:0014883, OMIM 617047.
Myofibrillar myopathy 5. Also called: Filaminopathy (type); FILAMINOPATHY, AUTOSOMAL DOMINANT. Identifiers: Orphanet 171445, MedGen C1836050, MONDO:0012289, OMIM 609524.
Distal myopathy with posterior leg and anterior hand involvement. Also called: WILLIAMS DISTAL MYOPATHY. Identifiers: Orphanet 63273, MedGen C3279722, MONDO:0013550, OMIM 614065.
FLNC-related disorder. Also called: FLNC-related condition; FLNC-related disorders.
Cardiovascular phenotype. Identifiers: MedGen CN230736.

Allele frequency attached by ClinVar (database versions not stated): gnomAD 0.00001; ExAC 0.00002; gnomAD exomes 0.00002 and 0.00004; TOPMed 0.00003.
gnomAD v4.1: 55 of 1,612,656 alleles (0.0034%); highest among the groups gnomAD compares: Admixed American, 0.005%; no homozygotes.

Submissions (7):

Labcorp Genetics (formerly Invitae), Labcorp
Classification: Likely benign for Distal myopathy with posterior leg and anterior hand involvement; Myofibrillar myopathy 5; Hypertrophic cardiomyopathy 26. Last evaluated: 2026-01-07. Review status: criteria provided, single submitter. Criteria: Invitae Variant Classification Sherloc (09022015). Collection method: clinical testing. Allele origin: germline.

Molecular Genetics, Royal Melbourne Hospital
Classification: Uncertain significance for Hypertrophic cardiomyopathy 26. Last evaluated: 2023-04-11. Review status: criteria provided, single submitter. Criteria: ACMG Guidelines, 2015. Collection method: clinical testing. Allele origin: germline. Affected: yes.
Comment: This sequence change in FLNC is predicted to replace arginine with histidine at codon 2409, p.(Arg2409His). The arginine residue is highly conserved (99/99 vertebrates, UCSC), and is located in the ROD 2 Ig-like domain 22 (PMID: 32112656). There is a small physicochemical difference between arginine and histidine. The highest population minor allele frequency in the population database gnomAD v2.1 is 0.006% (2/34,520 alleles) in the Latino/Admixed American population. To our knowledge, this variant has not been reported in the relevant scientific literature. It has been identified in an individual with hypertrophic cardiomyopathy (Shariant) and reported as a variant of uncertain significance and likely benign (ClinVar ID: 539333). Computational evidence predicts a deleterious effect for the missense substitution (REVEL = 0.659). Based on the classification scheme RMH Modified ACMG/AMP Guidelines v1.6.1, this variant is classified as a VARIANT OF UNCERTAIN SIGNIFICANCE. Following criteria are met: PP3.

Ambry Genetics
Classification: Uncertain significance for Cardiovascular phenotype. Last evaluated: 2023-03-13. Review status: criteria provided, single submitter. Criteria: Ambry Variant Classification Scheme 2023. Collection method: clinical testing. Allele origin: germline.
Comment: The p.R2409H variant (also known as c.7226G>A), located in coding exon 43 of the FLNC gene, results from a G to A substitution at nucleotide position 7226. The arginine at codon 2409 is replaced by histidine, an amino acid with highly similar properties. This amino acid position is highly conserved in available vertebrate species. In addition, the in silico prediction for this alteration is inconclusive. Since supporting evidence is limited at this time, the clinical significance of this alteration remains unclear.

Blueprint Genetics
Classification: Likely benign. Last evaluated: 2022-06-27. Review status: criteria provided, single submitter. Criteria: ACMG Guidelines, 2015. Collection method: clinical testing. Allele origin: germline.

Victorian Clinical Genetics Services, Murdoch Childrens Research Institute
Classification: Uncertain significance for Hypertrophic cardiomyopathy 26. Last evaluated: 2021-05-06. Review status: criteria provided, single submitter. Criteria: ACMG Guidelines, 2015. Collection method: clinical testing. Allele origin: germline. Inheritance: Autosomal dominant inheritance. Affected: yes.
Comment: Based on the classification scheme VCGS_Germline_v1.3.4, this variant is classified as VUS-3B. Following criteria are met: 0103 - Loss of function (LoF) and gain of function (GoF) are known mechanisms of disease in this gene. Null variants enriched in dilated cardiomyopathy and distal myopathy (MIM#614065) while missense variants, mainly in the ROD2 domain, are enriched in hypertrophic cardiomyopathy, familial (MIM#617047), restrictive cardiomyopathy, familial (MIM#617047) and myofibrillar myopathy (MIM#609524) (PMID: 32112656). (I) 0107 - This gene is associated with autosomal dominant disease. (I) 0200 - Variant is predicted to result in a missense amino acid change from arginine to histidine. (I) 0251 - This variant is heterozygous. (I) 0302 - Variant is present in gnomAD <0.001 for a dominant condition (v2: 5 heterozygotes, 0 homozygotes). (SP) 0309 - An alternative amino acid change at the same position has been observed in gnomAD (v2: 2 heterozygotes, 0 homozygotes). (I) 0502 - Missense variant with conflicting in silico predictions and uninformative conservation. (I) 0600 - Variant is located in the annotated filamin repeat (Uniprot, NCBI) (I) 0710 - Another missense variant comparable to the one identified in this case has inconclusive previous evidence for pathogenicity. p.(Arg2409Cys) has been classified as a VUS by a diagnostic laboratory in ClinVar. (I) 0809 - Previous evidence of pathogenicity for this variant is inconclusive. It has been classified as a VUS by a diagnostic laboratory in ClinVar. (I) 0905 - No published segregation evidence has been identified for this variant. (I) 1007 - No published functional evidence has been identified for this variant. (I) 1208 - Inheritance information for this variant is not currently available in this individual. (I) Legend: (SP) - Supporting pathogenic, (I) - Information, (SB) - Supporting benign

Revvity Omics, Revvity
Classification: Uncertain significance. Last evaluated: 2021-01-12. Review status: criteria provided, single submitter. Criteria: ACMG Guidelines, 2015. Collection method: clinical testing. Allele origin: germline.

PreventionGenetics, part of Exact Sciences
Classification: Uncertain significance for FLNC-related condition. Last evaluated: 2024-03-26. Review status: no assertion criteria provided. Collection method: clinical testing. Allele origin: germline. Not counted in ClinVar's aggregate classification.
Comment: The FLNC c.7226G>A variant is predicted to result in the amino acid substitution p.Arg2409His. To our knowledge, this variant has not been reported in the literature. This variant is reported in 0.0058% of alleles in individuals of Latino descent in gnomAD. At this time, the clinical significance of this variant is uncertain due to the absence of conclusive functional and genetic evidence.

Literature cited by the submitters: PubMed 32112656 (cited by Molecular Genetics, Royal Melbourne Hospital and Victorian Clinical Genetics Services, Murdoch Childrens Research Institute).